The following is an entry in ClinVar:

NM_020070.4(IGLL1):c.545C>T (p.Thr182Met)

Gene: IGLL1 (immunoglobulin lambda like polypeptide 1; minus strand). Cytogenetic location: 22q11.23.
Variant type: single nucleotide variant.
Coding change: c.545C>T on transcript NM_020070.4 (MANE Select); coding-DNA position 545, C replaced by T.
Protein change: p.Thr182Met; replaces threonine 182 with methionine.
Molecular consequence: missense variant. On other transcripts: 3 prime UTR variant (1).
Genome position (GRCh38, 1-based): chr22:23,573,363, G>A on the plus strand (C>T on the coding strand, the complement: IGLL1 is on the minus strand). VCF-style: chr22-23573363-G-A. GRCh37 (hg19) VCF-style: chr22-23915550-G-A.
Other names: c.548C>T, p.Thr183Met (NM_001369906.1); c.*174C>T (NM_152855.3); short protein forms T183M, T182M.
Identifiers: ClinVar variation 1376930 (VCV001376930.8), dbSNP rs761551186, ClinGen allele CA10143235.

ClinVar aggregate classification (germline): Uncertain significance (1 of 4 stars; one submission).

Conditions:
Agammaglobulinemia 2, autosomal recessive (AGM2). Also called: AGAMMAGLOBULINEMIA, AUTOSOMAL RECESSIVE, DUE TO IGLL1 DEFECT. Identifiers: MedGen C3150750, MONDO:0013287, OMIM 613500.

Allele frequency attached by ClinVar (database versions not stated): gnomAD 0.00001; ExAC 0.00002; gnomAD exomes 0.00003.
gnomAD v4.1: 45 of 1,614,000 alleles (0.0028%); highest among the groups gnomAD compares: Admixed American, 0.022%; no homozygotes.

Submission:

Labcorp Genetics (formerly Invitae), Labcorp
Classification: Uncertain significance for Agammaglobulinemia 2, autosomal recessive. Last evaluated: 2025-06-02. Review status: criteria provided, single submitter. Criteria: Invitae Variant Classification Sherloc (09022015). Collection method: clinical testing. Allele origin: germline.
Comment: This sequence change replaces threonine, which is neutral and polar, with methionine, which is neutral and non-polar, at codon 182 of the IGLL1 protein (p.Thr182Met). This variant is present in population databases (rs761551186, gnomAD 0.02%). This variant has not been reported in the literature in individuals affected with IGLL1-related conditions. ClinVar contains an entry for this variant (Variation ID: 1376930). An algorithm developed to predict the effect of missense changes on protein structure and function (PolyPhen-2) suggests that this variant is likely to be tolerated. In summary, the available evidence is currently insufficient to determine the role of this variant in disease. Therefore, it has been classified as a Variant of Uncertain Significance.